The following is an entry in ClinVar:

NM_152743.4(BRAT1):c.816C>G (p.Phe272Leu)

Gene: BRAT1 (BRCA1 associated ATM activator 1; minus strand). Cytogenetic location: 7p22.3.
Variant type: single nucleotide variant.
Coding change: c.816C>G on transcript NM_152743.4 (MANE Select); coding-DNA position 816, C replaced by G.
Protein change: p.Phe272Leu; replaces phenylalanine 272 with leucine.
Molecular consequence: missense variant. On other transcripts: non-coding transcript variant (1).
Genome position (GRCh38, 1-based): chr7:2,543,311, G>C on the plus strand (C>G on the coding strand, the complement: BRAT1 is on the minus strand). VCF-style: chr7-2543311-G-C. GRCh37 (hg19) VCF-style: chr7-2582945-G-C.
Other names: c.816C>G, p.Phe272Leu (NM_001350626.2); c.291C>G, p.Phe97Leu (NM_001350627.2); short protein forms F272L, F97L.
Identifiers: ClinVar variation 855103 (VCV000855103.8), dbSNP rs374694299, ClinGen allele CA152671159.

ClinVar aggregate classification (germline): Uncertain significance (1 of 4 stars; one submission).

Conditions:
Neonatal-onset encephalopathy with rigidity and seizures. Also called: Lethal neonatal spasticity-epileptic encephalopathy syndrome. Identifiers: Orphanet 435845, MedGen C3281029, MONDO:0013784, OMIM 614498.

Allele frequency attached by ClinVar (database versions not stated): gnomAD 0.00001; TOPMed 0.00001; ESP Exome Variant Server 0.00008.
gnomAD v4.1: 1 of 1,600,502 alleles (0.000062%); highest among the groups gnomAD compares: Non-Finnish European, 0.000085%; no homozygotes.

Submission:

Labcorp Genetics (formerly Invitae), Labcorp
Classification: Uncertain significance for Neonatal-onset encephalopathy with rigidity and seizures. Last evaluated: 2019-04-08. Review status: criteria provided, single submitter. Criteria: Invitae Variant Classification Sherloc (09022015). Collection method: clinical testing. Allele origin: germline.
Comment: In summary, the available evidence is currently insufficient to determine the role of this variant in disease. Therefore, it has been classified as a Variant of Uncertain Significance. Algorithms developed to predict the effect of missense changes on protein structure and function output the following: SIFT: "Tolerated"; PolyPhen-2: "Benign"; Align-GVGD: "Class C0". The leucine amino acid residue is found in multiple mammalian species, suggesting that this missense change does not adversely affect protein function. These predictions have not been confirmed by published functional studies and their clinical significance is uncertain. This variant has not been reported in the literature in individuals with BRAT1-related conditions. This variant is not present in population databases (ExAC no frequency). This sequence change replaces phenylalanine with leucine at codon 272 of the BRAT1 protein (p.Phe272Leu). The phenylalanine residue is moderately conserved and there is a small physicochemical difference between phenylalanine and leucine.